The following is an entry in ClinVar:

ClinVar aggregate classification (germline): Uncertain significance (1 of 4 stars; one submission).

Submission:

Ambry Genetics
Classification: Uncertain significance. Last evaluated: 2025-07-07. Review status: criteria provided, single submitter. Criteria: Ambry Variant Classification Scheme 2023. Collection method: clinical testing. Allele origin: germline.
Comment: The p.P787Q variant (also known as c.2360C>A), located in coding exon 10 of the WNK2 gene, results from a C to A substitution at nucleotide position 2360. The proline at codon 787 is replaced by glutamine, an amino acid with similar properties. This amino acid position is conserved. In addition, this alteration is predicted to be tolerated by in silico analysis. Based on the available evidence, the clinical significance of this variant remains unclear.

NM_006648.4(WNK2):c.2360C>A (p.Pro787Gln)

Gene: WNK2 (WNK lysine deficient protein kinase 2; plus strand). Cytogenetic location: 9q22.31.
Variant type: single nucleotide variant.
Coding change: c.2360C>A on transcript NM_006648.4 (MANE Select); coding-DNA position 2360, C replaced by A.
Protein change: p.Pro787Gln; replaces proline 787 with glutamine.
Molecular consequence: missense variant.
Genome position (GRCh38, 1-based): chr9:93,257,117, C>A. VCF-style: chr9-93257117-C-A. GRCh37 (hg19) VCF-style: chr9-96019399-C-A.
Other names: c.2360C>A, p.Pro787Gln (NM_001282394.3); short protein forms P787Q.
Identifiers: ClinVar variation 3190624 (VCV003190624.2), dbSNP rs138191048, ClinGen allele CA374054752.